The following is an entry in ClinVar:

ClinVar aggregate classification (germline): Conflicting classifications of pathogenicity. Review status: criteria provided, conflicting classifications (1 of 4 stars). 5 submissions from 5 submitters: Uncertain significance (2); Likely benign (3). Last evaluated 2025-08-29.

Conditions:
Nephronophthisis 4 (NPHP4). Also called: NEPHRONOPHTHISIS 4, JUVENILE. Identifiers: Orphanet 655, MedGen C1847013, MONDO:0011752, OMIM 606966.
Senior-Loken syndrome 4 (SLSN4). Identifiers: Orphanet 3156, MedGen C1846979, MONDO:0011756, OMIM 606996.
NPHP4-related disorder. Also called: NPHP4-related disorders; NPHP4-related condition. Identifiers: MedGen CN239384.
Nephronophthisis. Also called: Juvenile Nephronophthisis. Identifiers: Orphanet 655, MedGen C0687120, MONDO:0019005, HP:0000090.

Allele frequency attached by ClinVar (database versions not stated): gnomAD exomes 0.00001; ExAC 0.00002; TOPMed 0.00005; gnomAD 0.00010.
gnomAD v4.1: 25 of 1,610,220 alleles (0.0016%); highest among the groups gnomAD compares: African/African-American, 0.013%; no homozygotes.

Submissions (5):

PreventionGenetics, part of Exact Sciences
Classification: Likely benign for NPHP4-related condition. Last evaluated: 2025-08-29. Review status: criteria provided, single submitter. Criteria: ACMG Guidelines, 2015. Collection method: clinical testing. Allele origin: germline.
Comment: This variant is classified as likely benign based on ACMG/AMP sequence variant interpretation guidelines (Richards et al. 2015 PMID: 25741868, with internal and published modifications).

Labcorp Genetics (formerly Invitae), Labcorp
Classification: Likely benign for Nephronophthisis. Last evaluated: 2025-01-23. Review status: criteria provided, single submitter. Criteria: Invitae Variant Classification Sherloc (09022015). Collection method: clinical testing. Allele origin: germline.

Blueprint Genetics
Classification: Likely benign. Last evaluated: 2024-11-20. Review status: criteria provided, single submitter. Criteria: ACMG Guidelines, 2015. Collection method: clinical testing. Allele origin: germline.

Fulgent Genetics
Classification: Uncertain significance for Nephronophthisis 4; Senior-Loken syndrome 4. Last evaluated: 2022-04-06. Review status: criteria provided, single submitter. Criteria: ACMG Guidelines, 2015. Collection method: clinical testing. Allele origin: unknown.

Eurofins Ntd Llc (ga)
Classification: Uncertain significance. Last evaluated: 2017-10-03. Review status: criteria provided, single submitter. Criteria: EGL Classification Definitions 2015. Collection method: clinical testing. Allele origin: germline. Observed: 1 variant allele, 1 heterozygote.

NM_015102.5(NPHP4):c.870C>T (p.Gly290=)

Gene: NPHP4 (nephrocystin 4; minus strand). Cytogenetic location: 1p36.31.
Variant type: single nucleotide variant.
Coding change: c.870C>T on transcript NM_015102.5 (MANE Select); coding-DNA position 870, C replaced by T.
Protein change: p.Gly290=; no amino-acid change (glycine 290 retained).
Molecular consequence: synonymous variant. On other transcripts: 5 prime UTR variant (2), non-coding transcript variant (1).
Genome position (GRCh38, 1-based): chr1:5,948,192, G>A on the plus strand (C>T on the coding strand, the complement: NPHP4 is on the minus strand). VCF-style: chr1-5948192-G-A. GRCh37 (hg19) VCF-style: chr1-6008252-G-A.
Other names: c.-497C>T (NM_001291593.2, NM_001291594.2); c.870C>T (NM_015102.4).
Identifiers: ClinVar variation 594338 (VCV000594338.13), dbSNP rs749844096, ClinGen allele CA554714.